The following is an entry in ClinVar:

NM_053025.4(MYLK):c.4457C>T (p.Thr1486Ile)

Gene: MYLK (myosin light chain kinase; minus strand). Cytogenetic location: 3q21.1.
Variant type: single nucleotide variant.
Coding change: c.4457C>T on transcript NM_053025.4 (MANE Select); coding-DNA position 4457, C replaced by T.
Protein change: p.Thr1486Ile; replaces threonine 1486 with isoleucine.
Molecular consequence: missense variant.
Genome position (GRCh38, 1-based): chr3:123,647,386, G>A on the plus strand (C>T on the coding strand, the complement: MYLK is on the minus strand). VCF-style: chr3-123647386-G-A. GRCh37 (hg19) VCF-style: chr3-123366233-G-A.
Other names: c.3929C>T, p.Thr1310Ile (NM_001321309.2); c.4250C>T, p.Thr1417Ile (NM_053026.4, NM_053028.4); c.4457C>T, p.Thr1486Ile (NM_053027.4); short protein forms T1310I, T1417I, T1486I.
Identifiers: ClinVar variation 2500060 (VCV002500060.2), dbSNP rs560138602, ClinGen allele CA071761.
Genomic context (GRCh38, chr3:123,647,386, plus strand): 5'-ATATTCTCTTTCTCTTTTGCTGAATATGCCTTGAAGAACTTCCCTGCCCAGACTTTTCGA[G>A]TTTTCTTTTCTACAAGTCGAAAGACCTGTCCAAATTTCCCACTGCAAATGAAAGGGGGAG-3'
Protein context (NP_444253.3, residues 1476-1496): GQVFRLVEKK[Thr1486Ile]RKVWAGKFFK

ClinVar aggregate classification (germline): Uncertain significance (1 of 4 stars; one submission).

Conditions:
Aortic aneurysm, familial thoracic 7 (AAT7). Also called: AORTIC DISSECTION, FAMILIAL, WITH OR WITHOUT AORTIC ANEURYSM. Identifiers: MedGen C3151077, MONDO:0013418, OMIM 613780.
Megacystis-microcolon-intestinal hypoperistalsis syndrome 1. Identifiers: MedGen C5542316, MONDO:0100354, OMIM 249210.

Allele frequency attached by ClinVar (database versions not stated): gnomAD 0.00001; TOPMed 0.00001; ExAC 0.00002; 1000 Genomes Project 30x 0.00016; 1000 Genomes Project 0.00020.
gnomAD v4.1: 6 of 1,614,200 alleles (0.00037%); highest among the groups gnomAD compares: South Asian, 0.0066%; no homozygotes.

Submission:

Center for Genomics, Ann and Robert H. Lurie Children's Hospital of Chicago
Classification: Uncertain significance for Megacystis-microcolon-intestinal hypoperistalsis syndrome 1; Aortic aneurysm, familial thoracic 7. Review status: criteria provided, single submitter. Criteria: ACMG Guidelines, 2015. Collection method: clinical testing. Allele origin: germline.
Comment: MYLK NM_053026 exon 26 p.Thr1417Ile (c.4250C>T): This variant has not been reported in the literature but is present in 3/30782 South Asian alleles in the Genome Aggregation Database. Evolutionary conservation and computational predictive tools for this variant are unclear. In summary, data on this variant is insufficient for disease classification. Therefore, the clinical significance of this variant is uncertain.